The following is an entry in ClinVar:

ClinVar aggregate classification (germline): Benign (1 of 4 stars; one submission).

Conditions:
Sessile serrated polyposis cancer syndrome (SSPCS). Identifiers: Orphanet 157798, MedGen C4310714, MONDO:0014919, OMIM 617108.

gnomAD v4.1: 1 of 1,612,110 alleles (0.000062%); highest among the groups gnomAD compares: Non-Finnish European, 0.000085%; no homozygotes.

Submission:

Myriad Genetics, Inc.
Classification: Benign for Sessile serrated polyposis cancer syndrome. Last evaluated: 2026-07-02. Review status: criteria provided, single submitter. Criteria: Myriad Autosomal Dominant, Autosomal Recessive and X-Linked Classification Criteria (2023). Collection method: clinical testing. Allele origin: unknown.
Comment: This variant is considered benign. This variant is a silent/synonymous amino acid change and it is not expected to impact splicing.

NM_017763.6(RNF43):c.2040T>C (p.Ile680=)

Gene: RNF43 (ring finger protein 43; minus strand). Cytogenetic location: 17q22.
Variant type: single nucleotide variant.
Coding change: c.2040T>C on transcript NM_017763.6 (MANE Select); coding-DNA position 2040, T replaced by C.
Protein change: p.Ile680=; no amino-acid change (isoleucine 680 retained).
Molecular consequence: synonymous variant.
Genome position (GRCh38, 1-based): chr17:58,357,736, A>G on the plus strand (T>C on the coding strand, the complement: RNF43 is on the minus strand). VCF-style: chr17-58357736-A-G. GRCh37 (hg19) VCF-style: chr17-56435097-A-G.
Other names: c.2040T>C, p.Ile680= (NM_001305544.3, NM_001438820.1, NM_001438821.1 and 1 more transcripts); c.1659T>C, p.Ile553= (NM_001305545.2, NM_001437987.1).
Identifiers: ClinVar variation 5042377 (VCV005042377.1).